The following is an entry in ClinVar:

ClinVar aggregate classification (germline): Benign. Review status: criteria provided, multiple submitters, no conflicts (2 of 4 stars). 4 submissions from 4 submitters: Benign (3). 1 of the submissions does not count toward it. Last evaluated 2026-01-28.

Conditions:
KATNB1-related disorder. Also called: KATNB1-related condition.

Allele frequency attached by ClinVar (database versions not stated): gnomAD exomes 0.00301 and 0.00807; ExAC 0.01001; gnomAD 0.03184 and 0.03393; TOPMed 0.03523; ESP Exome Variant Server 0.03647; 1000 Genomes Project 0.03834; 1000 Genomes Project 30x 0.03951.
gnomAD v4.1: 9,489 of 1,613,270 alleles (0.59%); highest among the groups gnomAD compares: African/African-American, 11%; 492 homozygotes.

Submissions (4):

Labcorp Genetics (formerly Invitae), Labcorp
Classification: Benign. Last evaluated: 2026-01-28. Review status: criteria provided, single submitter. Criteria: Invitae Variant Classification Sherloc (09022015). Collection method: clinical testing. Allele origin: germline.

GeneDx
Classification: Benign. Last evaluated: 2018-07-17. Review status: criteria provided, single submitter. Criteria: GeneDx Variant Classification Process June 2021. Collection method: clinical testing. Allele origin: germline. Affected: yes.

Breakthrough Genomics
Classification: Benign. Review status: criteria provided, single submitter. Criteria: ACMG Guidelines, 2015. Collection method: not provided. Allele origin: germline. Inheritance: Autosomal recessive inheritance. Affected: yes.

PreventionGenetics, part of Exact Sciences
Classification: Benign for KATNB1-related condition. Last evaluated: 2019-08-28. Review status: no assertion criteria provided. Collection method: clinical testing. Allele origin: germline. Not counted in ClinVar's aggregate classification.
Comment: This variant is classified as benign based on ACMG/AMP sequence variant interpretation guidelines (Richards et al. 2015 PMID: 25741868, with internal and published modifications).

NM_005886.3(KATNB1):c.1448T>C (p.Val483Ala)

Gene: KATNB1 (katanin regulatory subunit B1; plus strand). Cytogenetic location: 16q21.
Variant type: single nucleotide variant.
Coding change: c.1448T>C on transcript NM_005886.3 (MANE Select); coding-DNA position 1448, T replaced by C.
Protein change: p.Val483Ala; replaces valine 483 with alanine.
Molecular consequence: missense variant.
Genome position (GRCh38, 1-based): chr16:57,755,376, T>C. VCF-style: chr16-57755376-T-C. GRCh37 (hg19) VCF-style: chr16-57789288-T-C.
Other names: short protein forms V483A.
Identifiers: ClinVar variation 1286222 (VCV001286222.12), dbSNP rs61729337, ClinGen allele CA8081229.